The following is an entry in ClinVar:

NM_000214.3(JAG1):c.433A>G (p.Thr145Ala)

Gene: JAG1 (jagged canonical Notch ligand 1; minus strand). Cytogenetic location: 20p12.2.
Variant type: single nucleotide variant.
Coding change: c.433A>G on transcript NM_000214.3 (MANE Select); coding-DNA position 433, A replaced by G.
Protein change: p.Thr145Ala; replaces threonine 145 with alanine.
Molecular consequence: missense variant.
Genome position (GRCh38, 1-based): chr20:10,663,969, T>C on the plus strand (A>G on the coding strand, the complement: JAG1 is on the minus strand). VCF-style: chr20-10663969-T-C. GRCh37 (hg19) VCF-style: chr20-10644617-T-C.
Other names: short protein forms T145A.
Identifiers: ClinVar variation 3531157 (VCV003531157.1).

ClinVar aggregate classification (germline): Uncertain significance (1 of 4 stars; one submission).

Conditions:
Cardiovascular phenotype. Identifiers: MedGen CN230736.

gnomAD v4.1: 2 of 1,613,488 alleles (0.00012%); highest among the groups gnomAD compares: Non-Finnish European, 0.00017%; no homozygotes.

Submission:

Ambry Genetics
Classification: Uncertain significance for Cardiovascular phenotype. Last evaluated: 2024-07-28. Review status: criteria provided, single submitter. Criteria: Ambry Variant Classification Scheme 2023. Collection method: clinical testing. Allele origin: germline.
Comment: The p.T145A variant (also known as c.433A>G), located in coding exon 3 of the JAG1 gene, results from an A to G substitution at nucleotide position 433. The threonine at codon 145 is replaced by alanine, an amino acid with similar properties. This amino acid position is conserved. In addition, the in silico prediction for this alteration is inconclusive. Based on the available evidence, the clinical significance of this variant remains unclear.